The following is an entry in ClinVar:

NM_002485.5(NBN):c.2013T>G (p.Asn671Lys)

Gene: NBN (nibrin; minus strand). Cytogenetic location: 8q21.3.
Variant type: single nucleotide variant.
Coding change: c.2013T>G on transcript NM_002485.5 (MANE Select); coding-DNA position 2013, T replaced by G.
Protein change: p.Asn671Lys; replaces asparagine 671 with lysine.
Molecular consequence: missense variant.
Genome position (GRCh38, 1-based): chr8:89,946,197, A>C on the plus strand (T>G on the coding strand, the complement: NBN is on the minus strand). VCF-style: chr8-89946197-A-C. GRCh37 (hg19) VCF-style: chr8-90958425-A-C.
Other names: c.1767T>G, p.Asn589Lys (NM_001024688.3); short protein forms N671K, N589K.
Identifiers: ClinVar variation 1493255 (VCV001493255.8), dbSNP rs1586040407, ClinGen allele CA371676441.

ClinVar aggregate classification (germline): Uncertain significance (1 of 4 stars; one submission).

Conditions:
Microcephaly, normal intelligence and immunodeficiency (NBS). Also called: BERLIN BREAKAGE SYNDROME; Nijmegen breakage syndrome; Microcephaly with normal intelligence immunodeficiency and lymphoreticular malignancies; Nonsyndromal microcephaly autosomal recessive with normal intelligence; Seemanova syndrome 2; IMMUNODEFICIENCY, MICROCEPHALY, AND CHROMOSOMAL INSTABILITY. Identifiers: Orphanet 647, MedGen C0398791, MONDO:0009623, OMIM 251260.

Allele frequency attached by ClinVar (database versions not stated): gnomAD exomes below 0.00001.
gnomAD v4.1: 1 of 1,601,798 alleles (0.000062%); highest among the groups gnomAD compares: Non-Finnish European, 0.000086%; no homozygotes.

Submission:

Labcorp Genetics (formerly Invitae), Labcorp
Classification: Uncertain significance for Microcephaly, normal intelligence and immunodeficiency. Last evaluated: 2020-12-12. Review status: criteria provided, single submitter. Criteria: Invitae Variant Classification Sherloc (09022015). Collection method: clinical testing. Allele origin: germline.
Comment: This sequence change replaces asparagine with lysine at codon 671 of the NBN protein (p.Asn671Lys). The asparagine residue is weakly conserved and there is a moderate physicochemical difference between asparagine and lysine. In summary, the available evidence is currently insufficient to determine the role of this variant in disease. Therefore, it has been classified as a Variant of Uncertain Significance. This variant is not present in population databases (ExAC no frequency). This variant has not been reported in the literature in individuals with NBN-related conditions. Algorithms developed to predict the effect of missense changes on protein structure and function output the following: SIFT: "Tolerated"; PolyPhen-2: "Benign"; Align-GVGD: "Class C0". The lysine amino acid residue is found in multiple mammalian species, suggesting that this missense change does not adversely affect protein function. These predictions have not been confirmed by published functional studies and their clinical significance is uncertain.